The following is an entry in ClinVar:

NM_021267.5(CERS1):c.5CGG[4] (p.Ala4_Gly5insAla)

Genes: CERS1 (ceramide synthase 1; minus strand), GDF1 (growth differentiation factor 1; minus strand). Cytogenetic location: 19p13.11.
Variant type: Microsatellite.
Coding change: c.5CGG[4] on transcript NM_021267.5 (MANE Select); four copies in a row of the 3-base unit CGG starting at c.5; the reference has three copies in a row; one copy, 3 bases duplicated; also written c.11_13dup.
Protein change: p.Ala4_Gly5insAla.
Molecular consequence: inframe insertion, initiator codon variant. On other transcripts: 5 prime UTR variant (4), intron variant (3).
Genome position (GRCh38, 1-based): chr19:18,896,060-18,896,062, CCG duplicated on the plus strand (CGG on the coding strand, the reverse complement: CERS1 is on the minus strand); duplicating any 3 consecutive bases within chr19:18,896,060-18,896,070 gives the same sequence; the position shown is the placement nearest the transcript's 3' end. VCF-style (leftmost placement, unchanged base first): chr19-18896059-C-CCCG. GRCh37 (hg19) VCF-style: chr19-19006868-C-CCCG.
Other names: c.11_13dup (NM_021267.4); c.5CGG[4], p.Ala4_Gly5insAla (NM_001387439.1, NM_001387440.1, NM_001387441.1 and 1 more transcripts); c.-524CGG[4] (NM_001387444.1); c.-471CGG[4] (NM_001387445.1); c.-898CGG[4] (NM_001387438.1); c.-1318CGG[4] (NM_001492.6); c.-46+658CGG[4] (NM_001387443.1); c.-46+493CGG[4] (NM_001387442.1, NM_001290265.2).
Identifiers: ClinVar variation 663805 (VCV000663805.9), dbSNP rs996708246, ClinGen allele CA306258956.

ClinVar aggregate classification (germline): Uncertain significance (1 of 4 stars; one submission).

Conditions:
Progressive myoclonic epilepsy type 8. Identifiers: Orphanet 424027, MedGen C5190825, MONDO:0014545, OMIM 616230.

Submission:

Labcorp Genetics (formerly Invitae), Labcorp
Classification: Uncertain significance for Progressive myoclonic epilepsy type 8. Last evaluated: 2025-09-27. Review status: criteria provided, single submitter. Criteria: Invitae Variant Classification Sherloc (09022015). Collection method: clinical testing. Allele origin: germline.
Comment: This variant, c.11_13dup, results in the insertion of 1 amino acid(s) of the CERS1 protein (p.Ala4dup), but otherwise preserves the integrity of the reading frame. The frequency data for this variant in the population databases is considered unreliable, as metrics indicate poor data quality at this position in the gnomAD database. This variant has not been reported in the literature in individuals affected with CERS1-related conditions. ClinVar contains an entry for this variant (Variation ID: 663805). In summary, the available evidence is currently insufficient to determine the role of this variant in disease. Therefore, it has been classified as a Variant of Uncertain Significance.